The following is an entry in ClinVar:

ClinVar aggregate classification (germline): Pathogenic (1 of 4 stars; one submission).

Submission:

Labcorp Genetics (formerly Invitae), Labcorp
Classification: Pathogenic. Last evaluated: 2025-03-28. Review status: criteria provided, single submitter. Criteria: Invitae Variant Classification Sherloc (09022015). Collection method: clinical testing. Allele origin: germline.
Comment: This sequence change creates a premature translational stop signal (p.Gly727Alafs*23) in the DUOX2 gene. It is expected to result in an absent or disrupted protein product. Loss-of-function variants in DUOX2 are known to be pathogenic (PMID: 12110737, 18765513, 21565790, 24423310, 24735383). This variant is present in population databases (rs749427617, gnomAD 0.01%). This premature translational stop signal has been observed in individual(s) with congenital hypothyroidism (PMID: 34200080). ClinVar contains an entry for this variant (Variation ID: 2822549). For these reasons, this variant has been classified as Pathogenic.

Literature cited by the submitters: PubMed 12110737; PubMed 18765513; PubMed 21565790; PubMed 24423310; PubMed 24735383; PubMed 34200080.

NM_001363711.2(DUOX2):c.2180del (p.Gly727fs)

Gene: DUOX2 (dual oxidase 2; minus strand). Cytogenetic location: 15q21.1.
Variant type: Deletion.
Coding change: c.2180del on transcript NM_001363711.2 (MANE Select); coding-DNA position 2180, one base deleted (G; older notation c.2180delG).
Protein change: p.Gly727fs; shifts the reading frame from glycine 727.
Molecular consequence: frameshift variant.
Genome position (GRCh38, 1-based): chr15:45,105,797, C deleted on the plus strand (G on the coding strand, the reverse complement: DUOX2 is on the minus strand); the first of 4 consecutive C bases (chr15:45,105,797-45,105,800); deleting any one gives the same sequence. VCF-style (leftmost placement, unchanged base first): chr15-45105796-GC-G. GRCh37 (hg19) VCF-style: chr15-45397994-GC-G.
Other names: c.2180del, p.Gly727fs (NM_014080.5); short protein forms G727fs.
Identifiers: ClinVar variation 2822549 (VCV002822549.4), dbSNP rs749427617, ClinGen allele CA7538336.
Genomic context (GRCh38, chr15:45,105,796, plus strand): 5'-AGCCACATGGAGGCCCAGAGCCCAGCGCACGCAGAAGTCCCATAGCTGCTGCACAAAGGC[GC>G]CCCGTTCCTCTTCAGAACTAAACAGCAGCACCTGGGTGGGAGGAAGGCGGCACTGACGCA-3'